The following is an entry in ClinVar:

ClinVar aggregate classification (germline): Pathogenic (1 of 4 stars; one submission).

Conditions:
Mitochondrial complex II deficiency, nuclear type 1. Also called: SUCCINATE CoQ REDUCTASE DEFICIENCY. Identifiers: Orphanet 3208, MedGen C5700310, MONDO:0100294, OMIM 252011.
Pheochromocytoma/paraganglioma syndrome 5. Also called: Paragangliomas 5; SDHA-Related Hereditary Paraganglioma-Pheochromocytoma Syndrome. Identifiers: Orphanet 29072, MedGen C3279992, MONDO:0013602, OMIM 614165.

Submission:

Labcorp Genetics (formerly Invitae), Labcorp
Classification: Pathogenic for Pheochromocytoma/paraganglioma syndrome 5; Mitochondrial complex II deficiency, nuclear type 1. Last evaluated: 2018-05-29. Review status: criteria provided, single submitter. Criteria: Invitae Variant Classification Sherloc (09022015). Collection method: clinical testing. Allele origin: germline.
Comment: This variant has not been reported in the literature in individuals with SDHA-related disease. This variant is not present in population databases (ExAC no frequency). This sequence change creates a premature translational stop signal (p.Tyr215Phefs*105) in the SDHA gene. It is expected to result in an absent or disrupted protein product. Loss-of-function variants in SDHA are known to be pathogenic (PMID: 22974104, 24781757). For these reasons, this variant has been classified as Pathogenic.

Literature cited by the submitters: PubMed 22974104; PubMed 24781757.

NM_004168.4(SDHA):c.644_645del (p.Tyr215fs)

Gene: SDHA (succinate dehydrogenase complex flavoprotein subunit A; plus strand). Cytogenetic location: 5p15.33.
Variant type: Deletion.
Coding change: c.644_645del on transcript NM_004168.4 (MANE Select); coding-DNA positions 644 to 645, 2 bases deleted (AT; older notation c.644_645delAT).
Protein change: p.Tyr215fs; shifts the reading frame from tyrosine 215.
Molecular consequence: frameshift variant.
Genome position (GRCh38, 1-based): chr5:228,207-228,208, AT deleted; deleting any 2 consecutive bases within chr5:228,206-228,208 gives the same sequence; the c. name uses the placement nearest the transcript's 3' end. VCF-style (leftmost placement, unchanged base first): chr5-228205-CTA-C. GRCh37 (hg19) VCF-style: chr5-228320-CTA-C.
Other names: c.500_501del, p.Tyr167fs (NM_001294332.2); c.644_645del, p.Tyr215fs (NM_001330758.2); short protein forms Y215fs, Y167fs.
Identifiers: ClinVar variation 569511 (VCV000569511.7), dbSNP rs1560989804, ClinGen allele CA891842543.
Genomic context (GRCh38, chr5:228,205, plus strand): 5'-GGCTTAACACTTCTTGCCCTTTTTTTTTCCTTTCTTTTAGTCTCTGCGATATGATACCAG[CTA>C]TTTTGTGGAGTATTTTGCCTTGGATCTCCTGATGGAGAATGGGGAGTGCCGTGGTGTCAT-3'